The following is an entry in ClinVar:

ClinVar aggregate classification (germline): Uncertain significance. Review status: criteria provided, multiple submitters, no conflicts (2 of 4 stars). 4 submissions from 4 submitters: Uncertain significance (4). Last evaluated 2025-04-15.

Conditions:
Sessile serrated polyposis cancer syndrome (SSPCS). Identifiers: Orphanet 157798, MedGen C4310714, MONDO:0014919, OMIM 617108.

Allele frequency attached by ClinVar (database versions not stated): gnomAD exomes 0.00002; TOPMed 0.00006; gnomAD 0.00008 and 0.00009.
gnomAD v4.1: 21 of 1,560,208 alleles (0.0013%); highest among the groups gnomAD compares: African/African-American, 0.02%; no homozygotes.

Submissions (4):

Ambry Genetics
Classification: Uncertain significance. Last evaluated: 2025-04-15. Review status: criteria provided, single submitter. Criteria: Ambry Variant Classification Scheme 2023. Collection method: clinical testing. Allele origin: germline.

Labcorp Genetics (formerly Invitae), Labcorp
Classification: Uncertain significance. Last evaluated: 2025-04-08. Review status: criteria provided, single submitter. Criteria: Invitae Variant Classification Sherloc (09022015). Collection method: clinical testing. Allele origin: germline.
Comment: This sequence change replaces glycine, which is neutral and non-polar, with serine, which is neutral and polar, at codon 347 of the RNF43 protein (p.Gly347Ser). The frequency data for this variant in the population databases is considered unreliable, as metrics indicate poor data quality at this position in the gnomAD database. This variant has not been reported in the literature in individuals affected with RNF43-related conditions. ClinVar contains an entry for this variant (Variation ID: 1434429). An algorithm developed to predict the effect of missense changes on protein structure and function (PolyPhen-2) suggests that this variant is likely to be disruptive. In summary, the available evidence is currently insufficient to determine the role of this variant in disease. Therefore, it has been classified as a Variant of Uncertain Significance.

Laboratorio de Genetica e Diagnostico Molecular, Hospital Israelita Albert Einstein
Classification: Uncertain significance for Sessile serrated polyposis cancer syndrome. Last evaluated: 2025-01-31. Review status: criteria provided, single submitter. Criteria: ACMG Guidelines, 2015. Collection method: clinical testing. Allele origin: germline. Affected: yes.
Comment: ACMG classification criteria: PM2 supporting, BP4 supporting

Baylor Genetics
Classification: Uncertain significance for Sessile serrated polyposis cancer syndrome. Last evaluated: 2024-03-13. Review status: criteria provided, single submitter. Criteria: ACMG Guidelines, 2015. Collection method: clinical testing. Allele origin: unknown.

NM_017763.6(RNF43):c.1039G>A (p.Gly347Ser)

Gene: RNF43 (ring finger protein 43; minus strand). Cytogenetic location: 17q22.
Variant type: single nucleotide variant.
Coding change: c.1039G>A on transcript NM_017763.6 (MANE Select); coding-DNA position 1039, G replaced by A.
Protein change: p.Gly347Ser; replaces glycine 347 with serine.
Molecular consequence: missense variant.
Genome position (GRCh38, 1-based): chr17:58,358,737, C>T on the plus strand (G>A on the coding strand, the complement: RNF43 is on the minus strand). VCF-style: chr17-58358737-C-T. GRCh37 (hg19) VCF-style: chr17-56436098-C-T.
Other names: c.658G>A, p.Gly220Ser (NM_001305545.2); c.1039G>A, p.Gly347Ser (NM_001305544.3); short protein forms G347S, G220S.
Identifiers: ClinVar variation 1434429 (VCV001434429.14), dbSNP rs780224400, ClinGen allele CA8673241.